The following is an entry in ClinVar:

NM_001374259.2(IL12RB2):c.2290G>A (p.Val764Met)

Gene: IL12RB2 (interleukin 12 receptor subunit beta 2; plus strand). Cytogenetic location: 1p31.3.
Variant type: single nucleotide variant.
Coding change: c.2290G>A on transcript NM_001374259.2 (MANE Select); coding-DNA position 2290, G replaced by A.
Protein change: p.Val764Met; replaces valine 764 with methionine.
Molecular consequence: missense variant. On other transcripts: 3 prime UTR variant (3), non-coding transcript variant (2).
Genome position (GRCh38, 1-based): chr1:67,395,790, G>A. VCF-style: chr1-67395790-G-A. GRCh37 (hg19) VCF-style: chr1-67861473-G-A.
Other names: c.*210G>A (NM_001258214.1, NM_001319233.1); c.2032G>A, p.Val678Met (NM_001258215.1); c.*191G>A (NM_001258216.1); c.2290G>A, p.Val764Met (NM_001559.3); c.2290G>A (NM_001559.2); short protein forms V678M, V764M.
Identifiers: ClinVar variation 1460522 (VCV001460522.7), dbSNP rs112328743, ClinGen allele CA23497497.

ClinVar aggregate classification (germline): Uncertain significance. Review status: criteria provided, multiple submitters, no conflicts (2 of 4 stars). 2 submissions from 2 submitters: Uncertain significance (2). Last evaluated 2025-05-29.

Allele frequency attached by ClinVar (database versions not stated): gnomAD exomes below 0.00001.

Submissions (2):

Ambry Genetics
Classification: Uncertain significance. Last evaluated: 2025-05-29. Review status: criteria provided, single submitter. Criteria: Ambry Variant Classification Scheme 2023. Collection method: clinical testing. Allele origin: germline.

Labcorp Genetics (formerly Invitae), Labcorp
Classification: Uncertain significance. Last evaluated: 2023-08-04. Review status: criteria provided, single submitter. Criteria: Invitae Variant Classification Sherloc (09022015). Collection method: clinical testing. Allele origin: germline.
Comment: This sequence change replaces valine, which is neutral and non-polar, with methionine, which is neutral and non-polar, at codon 764 of the IL12RB2 protein (p.Val764Met). This variant is not present in population databases (gnomAD no frequency). This variant has not been reported in the literature in individuals affected with IL12RB2-related conditions. ClinVar contains an entry for this variant (Variation ID: 1460522). An algorithm developed to predict the effect of missense changes on protein structure and function (PolyPhen-2) suggests that this variant is likely to be disruptive. In summary, the available evidence is currently insufficient to determine the role of this variant in disease. Therefore, it has been classified as a Variant of Uncertain Significance.